The following is an entry in ClinVar:

ClinVar aggregate classification (germline): Uncertain significance. Review status: criteria provided, multiple submitters, no conflicts (2 of 4 stars). 2 submissions from 2 submitters: Uncertain significance (2). Last evaluated 2024-10-26.

Allele frequency attached by ClinVar (database versions not stated): gnomAD exomes below 0.00001; gnomAD 0.00001.
gnomAD v4.1: 15 of 1,593,424 alleles (0.00094%); highest among the groups gnomAD compares: Non-Finnish European, 0.0013%; no homozygotes.

Submissions (2):

Labcorp Genetics (formerly Invitae), Labcorp
Classification: Uncertain significance. Last evaluated: 2024-10-26. Review status: criteria provided, single submitter. Criteria: Invitae Variant Classification Sherloc (09022015). Collection method: clinical testing. Allele origin: germline.
Comment: This sequence change replaces glycine, which is neutral and non-polar, with serine, which is neutral and polar, at codon 18 of the PCARE protein (p.Gly18Ser). This variant is present in population databases (rs534027529, gnomAD 0.002%). This variant has not been reported in the literature in individuals affected with PCARE-related conditions. ClinVar contains an entry for this variant (Variation ID: 1489247). An algorithm developed to predict the effect of missense changes on protein structure and function outputs the following: PolyPhen-2: "Possibly Damaging". The serine amino acid residue is found in multiple mammalian species, which suggests that this missense change does not adversely affect protein function. In summary, the available evidence is currently insufficient to determine the role of this variant in disease. Therefore, it has been classified as a Variant of Uncertain Significance.

Blueprint Genetics
Classification: Uncertain significance. Last evaluated: 2018-02-12. Review status: criteria provided, single submitter. Criteria: ACMG Guidelines, 2015. Collection method: clinical testing. Allele origin: germline.

NM_001029883.3(PCARE):c.52G>A (p.Gly18Ser)

Gene: PCARE (photoreceptor cilium actin regulator; minus strand). Cytogenetic location: 2p23.2.
Variant type: single nucleotide variant.
Coding change: c.52G>A on transcript NM_001029883.3 (MANE Select); coding-DNA position 52, G replaced by A.
Protein change: p.Gly18Ser; replaces glycine 18 with serine.
Molecular consequence: missense variant.
Genome position (GRCh38, 1-based): chr2:29,074,210, C>T on the plus strand (G>A on the coding strand, the complement: PCARE is on the minus strand). VCF-style: chr2-29074210-C-T. GRCh37 (hg19) VCF-style: chr2-29297076-C-T.
Other names: short protein forms G18S.
Identifiers: ClinVar variation 1489247 (VCV001489247.7), dbSNP rs534027529, ClinGen allele CA44644441.
Genomic context (GRCh38, chr2:29,074,210, plus strand): 5'-TTTCACTTCCGCCCTGACATCCTGGCCGAATTGCTTTGGGCTTTTTCAAGAACTGAATGC[C>T]ACTCTTTGCAACGCTGTTTACAAGGTCACTGTGTGAAGGTGTACACCCCATGATTTCAGC-3'
Protein context (NP_001025054.1, residues 8-28): SDLVNSVAKS[Gly18Ser]IQFLKKPKAI